The following is an entry in ClinVar:

ClinVar aggregate classification (germline): Uncertain significance (1 of 4 stars; one submission).

Conditions:
CHARGE syndrome (CHARGE). Also called: Hittner Hirsch Kreh syndrome; CHARGE ASSOCIATION--COLOBOMA, HEART ANOMALY, CHOANAL ATRESIA, RETARDATION, GENITAL AND EAR ANOMALIES; Coloboma, heart anomaly, choanal atresia, retardation, genital and ear anomalies; CHARGE association; Hall-Hittner syndrome. Identifiers: Orphanet 138, MedGen C0265354, MONDO:0008965.

Submission:

Labcorp Genetics (formerly Invitae), Labcorp
Classification: Uncertain significance for CHARGE syndrome. Last evaluated: 2025-12-01. Review status: criteria provided, single submitter. Criteria: Invitae Variant Classification Sherloc (09022015). Collection method: clinical testing. Allele origin: germline.
Comment: This sequence change replaces threonine, which is neutral and polar, with serine, which is neutral and polar, at codon 670 of the CHD7 protein (p.Thr670Ser). This variant is not present in population databases (gnomAD no frequency). This variant has not been reported in the literature in individuals affected with CHD7-related conditions. ClinVar contains an entry for this variant (Variation ID: 2002820). Invitae Evidence Modeling of protein sequence and biophysical properties (such as structural, functional, and spatial information, amino acid conservation, physicochemical variation, residue mobility, and thermodynamic stability) indicates that this missense variant is not expected to disrupt CHD7 protein function with a negative predictive value of 80%. In summary, the available evidence is currently insufficient to determine the role of this variant in disease. Therefore, it has been classified as a Variant of Uncertain Significance.

NM_017780.4(CHD7):c.2009C>G (p.Thr670Ser)

Genes: CHD7 (chromodomain helicase DNA binding protein 7; plus strand), LOC126860403 (CDK7 strongly-dependent group 2 enhancer GRCh37_chr8:61693034-61694233; plus strand). Cytogenetic location: 8q12.2.
Variant type: single nucleotide variant.
Coding change: c.2009C>G on transcript NM_017780.4 (MANE Select); coding-DNA position 2009, C replaced by G.
Protein change: p.Thr670Ser; replaces threonine 670 with serine.
Molecular consequence: missense variant. On other transcripts: intron variant (1).
Genome position (GRCh38, 1-based): chr8:60,781,343, C>G. VCF-style: chr8-60781343-C-G. GRCh37 (hg19) VCF-style: chr8-61693902-C-G.
Other names: c.1716+293C>G (NM_001316690.1); short protein forms T670S.
Identifiers: ClinVar variation 2002820 (VCV002002820.4), dbSNP rs1254432275, ClinGen allele CA371313382.